The following is an entry in ClinVar:

NM_001953.5(TYMP):c.518T>G (p.Met173Arg)

Gene: TYMP (thymidine phosphorylase; minus strand). Cytogenetic location: 22q13.33.
Variant type: single nucleotide variant.
Coding change: c.518T>G on transcript NM_001953.5 (MANE Select); coding-DNA position 518, T replaced by G.
Protein change: p.Met173Arg; replaces methionine 173 with arginine.
Molecular consequence: missense variant.
Genome position (GRCh38, 1-based): chr22:50,527,716, A>C on the plus strand (T>G on the coding strand, the complement: TYMP is on the minus strand). VCF-style: chr22-50527716-A-C. GRCh37 (hg19) VCF-style: chr22-50966145-A-C.
Other names: Met>Arg; c.518T>G, p.Met173Arg (NM_001113755.3, NM_001113756.3, NM_001257988.1 and 3 more transcripts); c.518T>G (NM_001953.3); short protein forms M173R.
Identifiers: ClinVar variation 223031 (VCV000223031.7), dbSNP rs1064792865, ClinGen allele CA16616781.

ClinVar aggregate classification (germline): Likely pathogenic. Review status: criteria provided, multiple submitters, no conflicts (2 of 4 stars). 4 submissions from 4 submitters: Likely pathogenic (3). 1 of the submissions does not count toward it. Last evaluated 2026-04-17.

Conditions:
Mitochondrial DNA depletion syndrome 1. Also called: MITOCHONDRIAL NEUROGASTROINTESTINAL ENCEPHALOPATHY SYNDROME, TYMP-RELATED; MNGIE, TYMP-RELATED; Mitochondrial DNA depletion syndrome 1 (MNGIE type); Mitochondrial neurogastrointestinal encephalomyopathy syndrome; POLIP SYNDROME; POLYNEUROPATHY, OPHTHALMOPLEGIA, LEUKOENCEPHALOPATHY, AND INTESTINAL PSEUDOOBSTRUCTION. Identifiers: Orphanet 298, MedGen C4551995, MONDO:0011283, OMIM 603041.

Allele frequency attached by ClinVar (database versions not stated): TOPMed below 0.00001.

Submissions (4):

GeneDx
Classification: Likely pathogenic. Last evaluated: 2026-04-17. Review status: criteria provided, single submitter. Criteria: GeneDx Variant Classification Process June 2021. Collection method: clinical testing. Allele origin: germline.
Comment: Not observed at significant frequency in large population cohorts (gnomAD); In silico analysis supports that this missense variant has a deleterious effect on protein structure/function; In silico analysis is inconclusive as to whether the variant alters gene splicing. In the absence of RNA/functional studies, the actual effect of this sequence change is unknown.; This variant is associated with the following publications: (PMID: 10852545, 20301358, 21933806, 30627136, 19748572, 37448106)

Fulgent Genetics
Classification: Likely pathogenic for Mitochondrial DNA depletion syndrome 1. Last evaluated: 2024-03-23. Review status: criteria provided, single submitter. Criteria: ACMG Guidelines, 2015. Collection method: clinical testing. Allele origin: germline.

Women's Health and Genetics/Laboratory Corporation of America, LabCorp
Classification: Likely pathogenic for Mitochondrial DNA depletion syndrome 1. Last evaluated: 2024-03-21. Review status: criteria provided, single submitter. Criteria: LabCorp Variant Classification Summary - May 2015. Collection method: clinical testing. Allele origin: germline.
Comment: Variant summary: TYMP c.518T>G (p.Met173Arg) results in a non-conservative amino acid change located in the Glycosyl transferase, family 3 domain (IPR000312) of the encoded protein sequence. Four of five in-silico tools predict a damaging effect of the variant on protein function. This variant alters the nucleotide within the exonic splice region in exon 5. Consensus agreement among computation tools predict no significant impact on normal splicing. However, these predictions have yet to be confirmed by functional studies. The variant was absent in 251330 control chromosomes. c.518T>G has been reported in the literature at a homozygous state in three Dominican individuals affected with Mitochondrial DNA Depletion Syndrome 1 (MNGIE type) (example, Garone_2011, Hirano_2004, Nishino_2000). These data indicate that the variant is very likely to be associated with disease. To our knowledge, no experimental evidence demonstrating an impact on protein function has been reported. The following publications have been ascertained in the context of this evaluation (PMID: 21933806, 14720311, 10852545). ClinVar contains an entry for this variant (Variation ID: 223031). Based on the evidence outlined above, the variant was classified as likely pathogenic.

GeneReviews
Classification: Pathogenic for Mitochondrial DNA depletion syndrome 1. Last evaluated: 2016-01-14. Review status: no assertion criteria provided. Collection method: literature only. Allele origin: germline. Affected: yes. Not counted in ClinVar's aggregate classification.

Literature cited by the submitters: PubMed 14720311 (cited by Women's Health and Genetics/Laboratory Corporation of America, LabCorp); PubMed 21933806 (cited by Women's Health and Genetics/Laboratory Corporation of America, LabCorp); PubMed 10852545 (cited by Women's Health and Genetics/Laboratory Corporation of America, LabCorp and GeneReviews).